The following is an entry in ClinVar:

NM_003823.4(TNFRSF6B):c.638G>A (p.Arg213His)

Genes: RTEL1-TNFRSF6B (RTEL1-TNFRSF6B readthrough (NMD candidate); plus strand), TNFRSF6B (TNF receptor superfamily member 6b; plus strand). Cytogenetic location: 20q13.33.
Variant type: single nucleotide variant.
Coding change: c.638G>A on transcript NM_003823.4 (MANE Select); coding-DNA position 638, G replaced by A.
Protein change: p.Arg213His; replaces arginine 213 with histidine.
Molecular consequence: missense variant. On other transcripts: non-coding transcript variant (1).
Genome position (GRCh38, 1-based): chr20:63,698,298, G>A. VCF-style: chr20-63698298-G-A. GRCh37 (hg19) VCF-style: chr20-62329651-G-A.
Other names: c.638G>A (NM_003823.3); short protein forms R213H.
Identifiers: ClinVar variation 2982728 (VCV002982728.4), dbSNP rs764950396, ClinGen allele CA9966541.

ClinVar aggregate classification (germline): Uncertain significance. Review status: criteria provided, multiple submitters, no conflicts (2 of 4 stars). 2 submissions from 2 submitters: Uncertain significance (2). Last evaluated 2025-03-07.

Allele frequency attached by ClinVar (database versions not stated): ExAC 0.00001; gnomAD exomes 0.00001; TOPMed 0.00001; gnomAD 0.00002.
gnomAD v4.1: 25 of 1,610,664 alleles (0.0016%); highest among the groups gnomAD compares: East Asian, 0.018%; no homozygotes.

Submissions (2):

Ambry Genetics
Classification: Uncertain significance. Last evaluated: 2025-03-07. Review status: criteria provided, single submitter. Criteria: Ambry Variant Classification Scheme 2023. Collection method: clinical testing. Allele origin: germline.

Labcorp Genetics (formerly Invitae), Labcorp
Classification: Uncertain significance. Last evaluated: 2023-03-17. Review status: criteria provided, single submitter. Criteria: Invitae Variant Classification Sherloc (09022015). Collection method: clinical testing. Allele origin: germline.
Comment: The frequency data for this variant in the population databases is considered unreliable, as metrics indicate poor data quality at this position in the gnomAD database. This sequence change replaces arginine, which is basic and polar, with histidine, which is basic and polar, at codon 213 of the TNFRSF6B protein (p.Arg213His). This variant has not been reported in the literature in individuals affected with TNFRSF6B-related conditions. In summary, the available evidence is currently insufficient to determine the role of this variant in disease. Therefore, it has been classified as a Variant of Uncertain Significance. Algorithms developed to predict the effect of missense changes on protein structure and function output the following: SIFT: "Not Available"; PolyPhen-2: "Benign"; Align-GVGD: "Not Available". The histidine amino acid residue is found in multiple mammalian species, which suggests that this missense change does not adversely affect protein function.